The following is an entry in ClinVar:

NM_001364564.1(SALL2):c.662C>T (p.Pro221Leu)

Gene: SALL2 (spalt like transcription factor 2; minus strand). Cytogenetic location: 14q11.2.
Variant type: single nucleotide variant.
Coding change: c.662C>T on transcript NM_001364564.1 (MANE Select); coding-DNA position 662, C replaced by T.
Protein change: p.Pro221Leu; replaces proline 221 with leucine.
Molecular consequence: missense variant. On other transcripts: intron variant (2).
Genome position (GRCh38, 1-based): chr14:21,525,060, G>A on the plus strand (C>T on the coding strand, the complement: SALL2 is on the minus strand). VCF-style: chr14-21525060-G-A. GRCh37 (hg19) VCF-style: chr14-21993194-G-A.
Other names: c.668C>T, p.Pro223Leu (NM_005407.3); c.392-129C>T (NM_001291446.2); c.386-129C>T (NM_001291447.2); short protein forms P221L, P223L.
Identifiers: ClinVar variation 1032993 (VCV001032993.1), dbSNP rs200864996, ClinGen allele CA7093805.

ClinVar aggregate classification (germline): Uncertain significance (1 of 4 stars; one submission).

Conditions:
Coloboma, ocular, autosomal recessive. Identifiers: Orphanet 194, MedGen C4011974, MONDO:0009002, OMIM 216820.

Allele frequency attached by ClinVar (database versions not stated): gnomAD exomes 0.00004; ExAC 0.00005; gnomAD 0.00006 and 0.00007; TOPMed 0.00011; 1000 Genomes Project 30x 0.00016; 1000 Genomes Project 0.00020.
gnomAD v4.1: 30 of 1,614,070 alleles (0.0019%); highest among the groups gnomAD compares: East Asian, 0.036%; no homozygotes.

Submission:

Baylor Genetics
Classification: Uncertain significance for Coloboma, ocular, autosomal recessive. Last evaluated: 2018-02-15. Review status: criteria provided, single submitter. Criteria: ACMG Guidelines, 2015. Collection method: clinical testing. Allele origin: paternal. Affected: yes.
Comment: This variant was determined to be of uncertain significance according to ACMG Guidelines, 2015 [PMID:25741868].